The following is an entry in ClinVar:

NM_000038.6(APC):c.6455C>G (p.Pro2152Arg)

Gene: APC (APC regulator of Wnt signaling pathway; plus strand). Cytogenetic location: 5q22.2.
Variant type: single nucleotide variant.
Coding change: c.6455C>G on transcript NM_000038.6 (MANE Select); coding-DNA position 6455, C replaced by G.
Protein change: p.Pro2152Arg; replaces proline 2152 with arginine.
Molecular consequence: missense variant.
Genome position (GRCh38, 1-based): chr5:112,842,049, C>G. VCF-style: chr5-112842049-C-G. GRCh37 (hg19) VCF-style: chr5-112177746-C-G.
Other names: c.6455C>G, p.Pro2152Arg (NM_001127510.3, NM_001354895.2); c.6401C>G, p.Pro2134Arg (NM_001127511.3); c.6509C>G, p.Pro2170Arg (NM_001354896.2); c.6485C>G, p.Pro2162Arg (NM_001354897.2); c.6380C>G, p.Pro2127Arg (NM_001354898.2); c.6371C>G, p.Pro2124Arg (NM_001354899.2); c.6332C>G, p.Pro2111Arg (NM_001354900.2); c.6278C>G, p.Pro2093Arg (NM_001354901.2); and 5 more; short protein forms P1992R, P2093R, P2170R, P1869R, P2061R, P2111R, P2162R, P2152R.
Identifiers: ClinVar variation 924957 (VCV000924957.18), dbSNP rs1766218262, ClinGen allele CA16035454.

ClinVar aggregate classification (germline): Uncertain significance. Review status: criteria provided, multiple submitters, no conflicts (2 of 4 stars). 4 submissions from 4 submitters: Uncertain significance (4). Last evaluated 2024-05-14.

Conditions:
Hereditary cancer-predisposing syndrome. Also called: Neoplastic Syndromes, Hereditary; Tumor predisposition; Hereditary Cancer Syndrome; Hereditary neoplastic syndrome. Identifiers: Orphanet 140162, MedGen C0027672, MeSH D009386, MONDO:0015356.
Familial adenomatous polyposis 1 (FAP1). Also called: FAMILIAL ADENOMATOUS POLYPOSIS 1, ATTENUATED; POLYPOSIS, ADENOMATOUS INTESTINAL. Identifiers: MedGen C2713442, MONDO:0021056, OMIM 175100. Disease mechanism: loss of function.

Submissions (4):

Labcorp Genetics (formerly Invitae), Labcorp
Classification: Uncertain significance for Familial adenomatous polyposis 1. Last evaluated: 2024-05-14. Review status: criteria provided, single submitter. Criteria: Invitae Variant Classification Sherloc (09022015). Collection method: clinical testing. Allele origin: germline.
Comment: This sequence change replaces proline, which is neutral and non-polar, with arginine, which is basic and polar, at codon 2152 of the APC protein (p.Pro2152Arg). This variant is not present in population databases (gnomAD no frequency). This variant has not been reported in the literature in individuals affected with APC-related conditions. ClinVar contains an entry for this variant (Variation ID: 924957). Advanced modeling of protein sequence and biophysical properties (such as structural, functional, and spatial information, amino acid conservation, physicochemical variation, residue mobility, and thermodynamic stability) performed at Invitae indicates that this missense variant is not expected to disrupt APC protein function with a negative predictive value of 95%. In summary, the available evidence is currently insufficient to determine the role of this variant in disease. Therefore, it has been classified as a Variant of Uncertain Significance.

Color Diagnostics, LLC DBA Color Health
Classification: Uncertain significance for Hereditary cancer-predisposing syndrome. Last evaluated: 2024-03-06. Review status: criteria provided, single submitter. Criteria: ACMG Guidelines, 2015. Collection method: clinical testing. Allele origin: germline.
Comment: This missense variant replaces proline with arginine at codon 2152 of the APC protein. Computational prediction tool suggests that this variant may not impact protein structure and function (internally defined REVEL score threshold <=0.5, PMID: 27666373). Splice site prediction tools suggest that this variant may not impact RNA splicing. To our knowledge, functional studies have not been performed for this variant. This variant has not been reported in individuals affected with hereditary cancer in the literature. This variant has not been identified in the general population by the Genome Aggregation Database (gnomAD). The available evidence is insufficient to determine the role of this variant in disease conclusively. Therefore, this variant is classified as a Variant of Uncertain Significance.

Baylor Genetics
Classification: Uncertain significance for Familial adenomatous polyposis 1. Last evaluated: 2024-03-03. Review status: criteria provided, single submitter. Criteria: ACMG Guidelines, 2015. Collection method: clinical testing. Allele origin: unknown.

Ambry Genetics
Classification: Uncertain significance for Hereditary cancer-predisposing syndrome. Last evaluated: 2023-01-01. Review status: criteria provided, single submitter. Criteria: Ambry Variant Classification Scheme 2023. Collection method: clinical testing. Allele origin: germline.
Comment: The p.P2152R variant (also known as c.6455C>G), located in coding exon 15 of the APC gene, results from a C to G substitution at nucleotide position 6455. The proline at codon 2152 is replaced by arginine, an amino acid with dissimilar properties. This amino acid position is conserved. In addition, in silico predictors for this gene do not accurately predict pathogenicity. Since supporting evidence is limited at this time, the clinical significance of this alteration remains unclear.